The following is an entry in ClinVar:

ClinVar aggregate classification (germline): Uncertain significance. Review status: criteria provided, multiple submitters, no conflicts (2 of 4 stars). 2 submissions from 2 submitters: Uncertain significance (2). Last evaluated 2026-08-07.

Conditions:
BRSK2-related disorder. Also called: BRSK2-related condition; BRSK2-Related Disorders.
Inborn genetic diseases. Identifiers: MedGen C0950123, MeSH D030342.

Submissions (2):

PreventionGenetics, part of Exact Sciences
Classification: Uncertain significance for BRSK2-related condition. Last evaluated: 2026-08-07. Review status: criteria provided, single submitter. Criteria: ACMG Guidelines, 2015. Collection method: clinical testing. Allele origin: germline.
Comment: The BRSK2 c.1223A>G variant is predicted to result in the amino acid substitution p.Gln408Arg. To our knowledge, this variant has not been reported in the literature or in a large population database (gnomAD), indicating this variant is rare. At this time, the clinical significance of this variant is uncertain due to the absence of conclusive functional and genetic evidence.

Ambry Genetics
Classification: Uncertain significance for Inborn genetic diseases. Last evaluated: 2025-01-17. Review status: criteria provided, single submitter. Criteria: Ambry Variant Classification Scheme 2023. Collection method: clinical testing. Allele origin: germline.

NM_001256627.2(BRSK2):c.1223A>G (p.Gln408Arg)

Gene: BRSK2 (BR serine/threonine kinase 2; plus strand). Cytogenetic location: 11p15.5.
Variant type: single nucleotide variant.
Coding change: c.1223A>G on transcript NM_001256627.2 (MANE Select); coding-DNA position 1223, A replaced by G.
Protein change: p.Gln408Arg; replaces glutamine 408 with arginine.
Molecular consequence: missense variant. On other transcripts: non-coding transcript variant (1).
Genome position (GRCh38, 1-based): chr11:1,445,904, A>G. VCF-style: chr11-1445904-A-G. GRCh37 (hg19) VCF-style: chr11-1467134-A-G.
Other names: c.1223A>G (NM_001256627.1); c.1223A>G, p.Gln408Arg (NM_001256629.2, NM_003957.4); c.1361A>G, p.Gln454Arg (NM_001256630.1); c.1043A>G, p.Gln348Arg (NM_001282218.2); short protein forms Q348R, Q408R, Q454R.
Identifiers: ClinVar variation 3825752 (VCV003825752.2).